The following is an entry in ClinVar:

NM_001267550.2(TTN):c.46773T>A (p.Tyr15591Ter)

Genes: TTN (titin; minus strand), TTN-AS1 (TTN antisense RNA 1; plus strand). Cytogenetic location: 2q31.2.
Variant type: single nucleotide variant.
Coding change: c.46773T>A on transcript NM_001267550.2 (MANE Select); coding-DNA position 46773, T replaced by A.
Protein change: p.Tyr15591Ter; replaces tyrosine 15591 with a stop codon.
Molecular consequence: nonsense.
Genome position (GRCh38, 1-based): chr2:178,618,777, A>T on the plus strand (T>A on the coding strand, the complement: TTN is on the minus strand). VCF-style: chr2-178618777-A-T. GRCh37 (hg19) VCF-style: chr2-179483504-A-T.
Other names: c.39069T>A, p.Tyr13023Ter (NM_133378.4); c.41850T>A, p.Tyr13950Ter (NM_001256850.1); c.19578T>A, p.Tyr6526Ter (NM_003319.4); c.19953T>A, p.Tyr6651Ter (NM_133432.3); c.20154T>A, p.Tyr6718Ter (NM_133437.4); short protein forms Y15591*, Y13023*, Y6526*, Y13950*, Y6718*, Y6651*.
Identifiers: ClinVar variation 47003 (VCV000047003.5), dbSNP rs397517586, ClinGen allele CA261860.

ClinVar aggregate classification (germline): Likely pathogenic (1 of 4 stars; one submission).

Conditions:
Primary dilated cardiomyopathy (DCM). Also called: Dilated Cardiomyopathy. Identifiers: Orphanet 217604, MedGen C0007193, MeSH D002311, MONDO:0005021, HP:0001644. Inheritance: Various modes of inheritance.

Submission:

Laboratory for Molecular Medicine, Mass General Brigham Personalized Medicine
Classification: Likely pathogenic for Primary dilated cardiomyopathy. Last evaluated: 2013-07-05. Review status: criteria provided, single submitter. Criteria: LMM Criteria. Collection method: clinical testing. Allele origin: germline. Inheritance: Autosomal dominant inheritance. Observed: 1 variant allele.
Comment: This nonsense variant leads to a premature termination codon at position 13023, which is predicted to lead to a truncated or absent protein. He terozygous loss of function of the TTN gene is strongly associated with DCM (Her man 2012). In summary, this variant is likely to be pathogenic, though additiona l data is needed to establish this with confidence.